The following is an entry in ClinVar:

ClinVar aggregate classification (germline): Uncertain significance (1 of 4 stars; one submission).

Conditions:
Inborn genetic diseases. Identifiers: MedGen C0950123, MeSH D030342.

Submission:

Ambry Genetics
Classification: Uncertain significance for Inborn genetic diseases. Last evaluated: 2026-06-09. Review status: criteria provided, single submitter. Criteria: Ambry Variant Classification Scheme 2023. Collection method: clinical testing. Allele origin: germline.
Comment: The p.M875R variant (also known as c.2624T>G), located in coding exon 13 of the ASXL1 gene, results from a T to G substitution at nucleotide position 2624. The methionine at codon 875 is replaced by arginine, an amino acid with similar properties. This amino acid position is conserved. In addition, this alteration is predicted to be tolerated by in silico analysis. Based on the available evidence, the clinical significance of this variant remains unclear.

NM_015338.6(ASXL1):c.2624T>G (p.Met875Arg)

Gene: ASXL1 (ASXL transcriptional regulator 1; plus strand). Cytogenetic location: 20q11.21.
Variant type: single nucleotide variant.
Coding change: c.2624T>G on transcript NM_015338.6 (MANE Select); coding-DNA position 2624, T replaced by G.
Protein change: p.Met875Arg; replaces methionine 875 with arginine.
Molecular consequence: missense variant.
Genome position (GRCh38, 1-based): chr20:32,435,336, T>G. VCF-style: chr20-32435336-T-G. GRCh37 (hg19) VCF-style: chr20-31023139-T-G.
Other names: c.2441T>G, p.Met814Arg (NM_001363734.1); short protein forms M814R, M875R.
Identifiers: ClinVar variation 4865007 (VCV004865007.1).